The following is an entry in ClinVar:

GRCh38/hg38 1q21.1(chr1:145601946-146046645)x1

Genes: ANKRD34A (ankyrin repeat domain 34A; minus strand), ANKRD35 (ankyrin repeat domain 35; minus strand), ANKRD35-DT (ANKRD35 divergent transcript; plus strand), CD160 (CD160 molecule; plus strand), GPHRA (golgi pH regulator A; plus strand) and 50 more. Cytogenetic location: 1q21.1.
Variant type: copy number loss.
Change: copy number 1 (one copy instead of two) of chr1:145,601,946-146,046,645 (444.7 kb, GRCh38 coordinates, 1-based), cytogenetic band 1q21.1.
Identifiers: ClinVar variation 59869 (VCV000059869.2).

ClinVar aggregate classification (germline): Pathogenic (1 of 4 stars; one submission).

Submission:

ISCA Site 6
Classification: Pathogenic. Last evaluated: 2011-08-12. Review status: criteria provided, single submitter. Criteria: Kaminsky et al. (Genet Med. 2011). Collection method: clinical testing. Allele origin: unknown. Affected: yes. Observed: 1 variant allele.
Comment: Copy number variation identified through the course of routine clinical cytogenomic testing in postnatal populations. Clinical assertions have been curated as described in Kaminsky et al. 2011.